The following is an entry in ClinVar:

ClinVar aggregate classification (germline): Uncertain significance (1 of 4 stars; one submission).

Conditions:
Renal cell carcinoma (RCCP1). Identifiers: Orphanet 217071, MedGen C0007134, MeSH D002292, MONDO:0005086, HP:0005584.

Submission:

Labcorp Genetics (formerly Invitae), Labcorp
Classification: Uncertain significance for Renal cell carcinoma. Last evaluated: 2022-10-02. Review status: criteria provided, single submitter. Criteria: Invitae Variant Classification Sherloc (09022015). Collection method: clinical testing. Allele origin: germline.
Comment: In summary, the available evidence is currently insufficient to determine the role of this variant in disease. Therefore, it has been classified as a Variant of Uncertain Significance. Experimental studies and prediction algorithms are not available or were not evaluated, and the functional significance of this variant is currently unknown. This variant has not been reported in the literature in individuals affected with MET-related conditions. This variant results in a copy number gain of the genomic region encompassing exon(s) 3-21 of the MET gene. This region includes the termination codon of the gene. This copy number gain extends beyond the assayed region for this gene and therefore may encompass additional genes. As the precise location of this event is unknown, it may be in tandem or it may be located elsewhere in the genome.

NC_000007.13:g.(?_116371712)_(116436178_?)dup

Gene: MET (MET proto-oncogene, receptor tyrosine kinase; plus strand). Cytogenetic location: 7q31.2.
Variant type: Duplication.
Identifiers: ClinVar variation 2423764 (VCV002423764.4).